The following is an entry in ClinVar:

NM_001166108.2(PALLD):c.1954A>G (p.Lys652Glu)

Gene: PALLD (palladin, cytoskeletal associated protein; plus strand). Cytogenetic location: 4q32.3.
Variant type: single nucleotide variant.
Coding change: c.1954A>G on transcript NM_001166108.2 (MANE Select); coding-DNA position 1954, A replaced by G.
Protein change: p.Lys652Glu; replaces lysine 652 with glutamic acid.
Molecular consequence: missense variant.
Genome position (GRCh38, 1-based): chr4:168,711,913, A>G. VCF-style: chr4-168711913-A-G. GRCh37 (hg19) VCF-style: chr4-169633064-A-G.
Other names: c.808A>G, p.Lys270Glu (NM_001166109.2); c.1954A>G, p.Lys652Glu (NM_016081.4); short protein forms K652E, K270E.
Identifiers: ClinVar variation 3304119 (VCV003304119.1).
Genomic context (GRCh38, chr4:168,711,913, plus strand): 5'-TCTCTTCCAACACCAGCTGTCCTGCTTTCACCCACTAAGGAGCCACCACCTCTGCTTGCC[A>G]AACCAAAACTGTGAGTATTTCTGCATGGTTTTATAATAATTTCCATACCCCTGTTACATT-3'
Protein context (NP_001159580.1, residues 642-662): PTKEPPPLLA[Lys652Glu]PKLGFPKKAS

ClinVar aggregate classification (germline): Uncertain significance (1 of 4 stars; one submission).

gnomAD v4.1: 1 of 1,612,802 alleles (0.000062%); highest among the groups gnomAD compares: Non-Finnish European, 0.000085%; no homozygotes.

Submission:

Ambry Genetics
Classification: Uncertain significance. Last evaluated: 2024-06-13. Review status: criteria provided, single submitter. Criteria: Ambry Variant Classification Scheme 2023. Collection method: clinical testing. Allele origin: germline.
Comment: The p.K652E variant (also known as c.1954A>G), located in coding exon 9 of the PALLD gene, results from an A to G substitution at nucleotide position 1954. The lysine at codon 652 is replaced by glutamic acid, an amino acid with similar properties. This amino acid position is conserved. In addition, the in silico prediction for this alteration is inconclusive. Based on the available evidence, the clinical significance of this variant remains unclear.